The following is an entry in ClinVar:

ClinVar aggregate classification (germline): Likely benign (1 of 4 stars; one submission).

gnomAD v4.1: 176 of 1,613,956 alleles (0.011%); highest among the groups gnomAD compares: East Asian, 0.025%; no homozygotes.

Submission:

CeGaT Center for Human Genetics Tuebingen
Classification: Likely benign. Last evaluated: 2025-01-01. Review status: criteria provided, single submitter. Criteria: CeGaT Center For Human Genetics Tuebingen Variant Classification Criteria Version 2. Collection method: clinical testing. Allele origin: germline. Affected: yes. Observed: 1 variant allele.
Comment: ANKRD17: BP4, BS2

NM_032217.5(ANKRD17):c.3347-5T>C

Gene: ANKRD17 (ankyrin repeat domain 17; minus strand). Cytogenetic location: 4q13.3.
Variant type: single nucleotide variant.
Coding change: c.3347-5T>C on transcript NM_032217.5 (MANE Select); 5 bases into the intron before coding-DNA position 3347, T replaced by C.
Molecular consequence: intron variant.
Genome position (GRCh38, 1-based): chr4:73,125,063, A>G on the plus strand (T>C on the coding strand, the complement: ANKRD17 is on the minus strand). VCF-style: chr4-73125063-A-G. GRCh37 (hg19) VCF-style: chr4-73990780-A-G.
Other names: c.2594-5T>C (NM_198889.3); c.3344-5T>C (NM_015574.2); c.3008-5T>C (NM_001286771.3).
Identifiers: ClinVar variation 3771337 (VCV003771337.13).